The following is an entry in ClinVar:

NM_080680.3(COL11A2):c.1644G>A (p.Met548Ile)

Gene: COL11A2 (collagen type XI alpha 2 chain; minus strand). Cytogenetic location: 6p21.32.
Variant type: single nucleotide variant.
Coding change: c.1644G>A on transcript NM_080680.3 (MANE Select); coding-DNA position 1644, G replaced by A.
Protein change: p.Met548Ile; replaces methionine 548 with isoleucine.
Molecular consequence: missense variant.
Genome position (GRCh38, 1-based): chr6:33,178,941, C>T on the plus strand (G>A on the coding strand, the complement: COL11A2 is on the minus strand). VCF-style: chr6-33178941-C-T. GRCh37 (hg19) VCF-style: chr6-33146718-C-T.
Other names: c.1464G>A, p.Met488Ile (NM_001424108.1); c.798G>A, p.Met266Ile (NM_001424109.1); c.618G>A, p.Met206Ile (NM_001424110.1, NM_001424111.1); c.1323G>A, p.Met441Ile (NM_080679.3); c.1386G>A, p.Met462Ile (NM_080681.3); short protein forms M462I, M206I, M266I, M488I, M441I, M548I.
Identifiers: ClinVar variation 3692137 (VCV003692137.3).

ClinVar aggregate classification (germline): Uncertain significance. Review status: criteria provided, multiple submitters, no conflicts (2 of 4 stars). 2 submissions from 2 submitters: Uncertain significance (2). Last evaluated 2024-12-26.

gnomAD v4.1: 1 of 1,614,144 alleles (0.000062%); highest among the groups gnomAD compares: Non-Finnish European, 0.000085%; no homozygotes.

Submissions (2):

Labcorp Genetics (formerly Invitae), Labcorp
Classification: Uncertain significance. Last evaluated: 2024-12-26. Review status: criteria provided, single submitter. Criteria: Invitae Variant Classification Sherloc (09022015). Collection method: clinical testing. Allele origin: germline.
Comment: This sequence change replaces methionine, which is neutral and non-polar, with isoleucine, which is neutral and non-polar, at codon 548 of the COL11A2 protein (p.Met548Ile). This variant is not present in population databases (gnomAD no frequency). This variant has not been reported in the literature in individuals affected with COL11A2-related conditions. Invitae Evidence Modeling of protein sequence and biophysical properties (such as structural, functional, and spatial information, amino acid conservation, physicochemical variation, residue mobility, and thermodynamic stability) indicates that this missense variant is not expected to disrupt COL11A2 protein function with a negative predictive value of 95%. In summary, the available evidence is currently insufficient to determine the role of this variant in disease. Therefore, it has been classified as a Variant of Uncertain Significance.

Blueprint Genetics
Classification: Uncertain significance. Last evaluated: 2022-05-27. Review status: criteria provided, single submitter. Criteria: ACMG Guidelines, 2015. Collection method: clinical testing. Allele origin: germline.